The following is an entry in ClinVar:

ClinVar aggregate classification (germline): Uncertain significance (1 of 4 stars; one submission).

Submission:

GeneDx
Classification: Uncertain significance. Last evaluated: 2025-02-19. Review status: criteria provided, single submitter. Criteria: GeneDx Variant Classification Process June 2021. Collection method: clinical testing. Allele origin: germline. Affected: yes.
Comment: Not observed at significant frequency in large population cohorts (gnomAD); In silico analysis supports that this missense variant has a deleterious effect on protein structure/function; Has not been previously published as pathogenic or benign to our knowledge

NM_000179.3(MSH6):c.3535G>C (p.Ala1179Pro)

Gene: MSH6 (mutS homolog 6; plus strand). Cytogenetic location: 2p16.3.
Variant type: single nucleotide variant.
Coding change: c.3535G>C on transcript NM_000179.3 (MANE Select); coding-DNA position 3535, G replaced by C.
Protein change: p.Ala1179Pro; replaces alanine 1179 with proline.
Molecular consequence: missense variant. On other transcripts: non-coding transcript variant (4).
Genome position (GRCh38, 1-based): chr2:47,805,006, G>C. VCF-style: chr2-47805006-G-C. GRCh37 (hg19) VCF-style: chr2-48032145-G-C.
Other names: c.3145G>C, p.Ala1049Pro (NM_001281492.2); c.2629G>C, p.Ala877Pro (NM_001281493.2, NM_001281494.2, NM_001406811.1 and 6 more transcripts); c.3631G>C, p.Ala1211Pro (NM_001406795.1, NM_001406802.1); c.3535G>C, p.Ala1179Pro (NM_001406796.1, NM_001406800.1, NM_001406808.1 and 1 more transcripts); c.3238G>C, p.Ala1080Pro (NM_001406797.1, NM_001406801.1, NM_001406805.1 and 10 more transcripts); c.3361G>C, p.Ala1121Pro (NM_001406798.1); c.3010G>C, p.Ala1004Pro (NM_001406799.1, NM_001406806.1, NM_001406807.1); c.2671G>C, p.Ala891Pro (NM_001406803.1); and 7 more; short protein forms A1004P, A1049P, A106P, A1080P, A1121P, A1123P, A1153P, A1179P.
Identifiers: ClinVar variation 4076759 (VCV004076759.1).
Genomic context (GRCh38, chr2:47,805,006, plus strand): 5'-TACGTCCCTGCTGAAGTGTGCAGGCTCACACCAATTGATAGAGTGTTTACTAGACTTGGT[G>C]CCTCAGACAGAATAATGTCAGGTGAGTTTTTTGTTTCCCACTTAAGTTCTCATTCAGTCA-3'
Protein context (NP_000170.1, residues 1169-1189): PIDRVFTRLG[Ala1179Pro]SDRIMSGEST